The following is an entry in ClinVar:

NM_001365951.3(KIF1B):c.2115+7188T>C

Gene: KIF1B (kinesin family member 1B; plus strand). Cytogenetic location: 1p36.22.
Variant type: single nucleotide variant.
Coding change: c.2115+7188T>C on transcript NM_001365951.3 (MANE Select); 7188 bases into the intron after coding-DNA position 2115, T replaced by C.
Molecular consequence: intron variant. On other transcripts: synonymous variant (2).
Genome position (GRCh38, 1-based): chr1:10,304,434, T>C. VCF-style: chr1-10304434-T-C. GRCh37 (hg19) VCF-style: chr1-10364492-T-C.
Other names: c.3249T>C, p.Asp1083= (NM_001365953.1, NM_183416.4); c.1977+7188T>C (NM_015074.3); c.2115+7188T>C (NM_001365952.1).
Identifiers: ClinVar variation 3060203 (VCV003060203.2), dbSNP rs139815864, ClinGen allele CA581408.

ClinVar aggregate classification (germline): Likely benign (0 of 4 stars; one submission).

Conditions:
KIF1B-related disorder. Also called: KIF1B-related condition.

Allele frequency attached by ClinVar (database versions not stated): ExAC 0.00002; gnomAD 0.00003; TOPMed 0.00003; gnomAD exomes 0.00006; ESP Exome Variant Server 0.00008.

Submission:

PreventionGenetics, part of Exact Sciences
Classification: Likely benign for KIF1B-related condition. Last evaluated: 2022-03-28. Review status: no assertion criteria provided. Collection method: clinical testing. Allele origin: germline.
Comment: This variant is classified as likely benign based on ACMG/AMP sequence variant interpretation guidelines (Richards et al. 2015 PMID: 25741868, with internal and published modifications).